The following is an entry in ClinVar:

NM_206933.4(USH2A):c.10988C>T (p.Ser3663Phe)

Gene: USH2A (usherin; minus strand). Cytogenetic location: 1q41.
Variant type: single nucleotide variant.
Coding change: c.10988C>T on transcript NM_206933.4 (MANE Select); coding-DNA position 10988, C replaced by T.
Protein change: p.Ser3663Phe; replaces serine 3663 with phenylalanine.
Molecular consequence: missense variant.
Genome position (GRCh38, 1-based): chr1:215,766,740, G>A on the plus strand (C>T on the coding strand, the complement: USH2A is on the minus strand). VCF-style: chr1-215766740-G-A. GRCh37 (hg19) VCF-style: chr1-215940082-G-A.
Other names: short protein forms S3663F.
Identifiers: ClinVar variation 5009972 (VCV005009972.1).

ClinVar aggregate classification (germline): Uncertain significance (1 of 4 stars; one submission).

Submission:

GeneDx
Classification: Uncertain significance. Last evaluated: 2026-03-03. Review status: criteria provided, single submitter. Criteria: GeneDx Variant Classification Process June 2021. Collection method: clinical testing. Allele origin: germline.
Comment: Not observed at significant frequency in large population cohorts (gnomAD); In silico analysis supports that this missense variant has a deleterious effect on protein structure/function; Has not been previously published as pathogenic or benign to our knowledge